The following is an entry in ClinVar:

ClinVar aggregate classification (germline): Benign/Likely benign. Review status: criteria provided, multiple submitters, no conflicts (2 of 4 stars). 5 submissions from 5 submitters: Benign (1); Likely benign (4). Last evaluated 2025-07-30.

Conditions:
Hereditary cancer-predisposing syndrome. Also called: Tumor predisposition; Neoplastic Syndromes, Hereditary; Hereditary neoplastic syndrome; Hereditary Cancer Syndrome. Identifiers: Orphanet 140162, MedGen C0027672, MeSH D009386, MONDO:0015356.
Familial adenomatous polyposis 1 (FAP1). Also called: FAMILIAL ADENOMATOUS POLYPOSIS 1, ATTENUATED; POLYPOSIS, ADENOMATOUS INTESTINAL. Identifiers: MedGen C2713442, MONDO:0021056, OMIM 175100. Disease mechanism: loss of function.
Classic or attenuated familial adenomatous polyposis. Identifiers: MedGen CN372698, MONDO:0021057.

Allele frequency attached by ClinVar (database versions not stated): ExAC 0.00001; gnomAD exomes 0.00001.
gnomAD v4.1: 12 of 1,610,218 alleles (0.00075%); highest among the groups gnomAD compares: Non-Finnish European, 0.001%; no homozygotes.

Submissions (5):

Labcorp Genetics (formerly Invitae), Labcorp
Classification: Likely benign for Familial adenomatous polyposis 1. Last evaluated: 2025-07-30. Review status: criteria provided, single submitter. Criteria: Invitae Variant Classification Sherloc (09022015). Collection method: clinical testing. Allele origin: germline.

Myriad Genetics, Inc.
Classification: Benign for Familial adenomatous polyposis 1. Last evaluated: 2024-04-04. Review status: criteria provided, single submitter. Criteria: Myriad Autosomal Dominant, Autosomal Recessive and X-Linked Classification Criteria (2023). Collection method: clinical testing. Allele origin: unknown.
Comment: This variant is considered benign. This variant is a silent/synonymous amino acid change and it is not expected to impact splicing.

All of Us Research Program, National Institutes of Health
Classification: Likely benign for Classic or attenuated familial adenomatous polyposis. Last evaluated: 2023-03-28. Review status: criteria provided, single submitter. Criteria: ACMG Guidelines, 2015. Collection method: clinical testing. Allele origin: germline. Inheritance: Autosomal dominant inheritance. Observed: 1 variant allele, 1 heterozygote.
Comment: This study involves interpretation of variants in research participants for the purpose of population health screening. Participant phenotype was not available at the time of variant classification. Additional details can be found in publication PMID: 35346344, PMCID: PMC8962531

Ambry Genetics
Classification: Likely benign for Hereditary cancer-predisposing syndrome. Last evaluated: 2021-10-16. Review status: criteria provided, single submitter. Criteria: Ambry Variant Classification Scheme 2023. Collection method: clinical testing. Allele origin: germline.

Color Diagnostics, LLC DBA Color Health
Classification: Likely benign for Hereditary cancer-predisposing syndrome. Last evaluated: 2018-02-06. Review status: criteria provided, single submitter. Criteria: ACMG Guidelines, 2015. Collection method: clinical testing. Allele origin: germline.

NM_000038.6(APC):c.6496C>A (p.Arg2166=)

Gene: APC (APC regulator of Wnt signaling pathway; plus strand). Cytogenetic location: 5q22.2.
Variant type: single nucleotide variant.
Coding change: c.6496C>A on transcript NM_000038.6 (MANE Select); coding-DNA position 6496, C replaced by A.
Protein change: p.Arg2166=; no amino-acid change (arginine 2166 retained).
Molecular consequence: synonymous variant.
Genome position (GRCh38, 1-based): chr5:112,842,090, C>A. VCF-style: chr5-112842090-C-A. GRCh37 (hg19) VCF-style: chr5-112177787-C-A.
Other names: c.6496C>A, p.Arg2166= (NM_001127510.3, NM_001354895.2); c.6442C>A, p.Arg2148= (NM_001127511.3); c.6550C>A, p.Arg2184= (NM_001354896.2); c.6526C>A, p.Arg2176= (NM_001354897.2); c.6421C>A, p.Arg2141= (NM_001354898.2); c.6412C>A, p.Arg2138= (NM_001354899.2); c.6373C>A, p.Arg2125= (NM_001354900.2); c.6319C>A, p.Arg2107= (NM_001354901.2); and 5 more.
Identifiers: ClinVar variation 416730 (VCV000416730.19), dbSNP rs764527706, ClinGen allele CA045056.
Genomic context (GRCh38, chr5:112,842,090, plus strand): 5'-TCACCATTTCATCTTACACCTGATCAAGAAGAAAAACCCTTTACAAGTAATAAAGGCCCA[C>A]GAATTCTAAAACCAGGGGAGAAAAGTACATTGGAAACTAAAAAGATAGAATCTGAAAGTA-3'
Protein context (NP_000029.2, residues 2156-2176): EKPFTSNKGP[Arg2166=]ILKPGEKSTL